The following is an entry in ClinVar:

ClinVar aggregate classification (germline): Likely benign. Review status: criteria provided, multiple submitters, no conflicts (2 of 4 stars). 2 submissions from 2 submitters: Likely benign (2). Last evaluated 2023-10-01.

Allele frequency attached by ClinVar (database versions not stated): gnomAD 0.00006; ESP Exome Variant Server 0.00008; gnomAD exomes 0.00010 and 0.00005; ExAC 0.00013; TOPMed 0.00013.
gnomAD v4.1: 97 of 1,613,992 alleles (0.006%); highest among the groups gnomAD compares: Admixed American, 0.018%; no homozygotes.

Submissions (2):

CeGaT Center for Human Genetics Tuebingen
Classification: Likely benign. Last evaluated: 2023-10-01. Review status: criteria provided, single submitter. Criteria: CeGaT Center For Human Genetics Tuebingen Variant Classification Criteria Version 2. Collection method: clinical testing. Allele origin: germline. Affected: yes. Observed: 1 variant allele.
Comment: MC2R: BP4, BP7

Labcorp Genetics (formerly Invitae), Labcorp
Classification: Likely benign. Last evaluated: 2018-06-16. Review status: criteria provided, single submitter. Criteria: Invitae Variant Classification Sherloc (09022015). Collection method: clinical testing. Allele origin: germline.

NM_000529.2(MC2R):c.783C>T (p.Asn261=)

Gene: MC2R (melanocortin 2 receptor; minus strand). Cytogenetic location: 18p11.21.
Variant type: single nucleotide variant.
Coding change: c.783C>T on transcript NM_000529.2 (MANE Select); coding-DNA position 783, C replaced by T.
Protein change: p.Asn261=; no amino-acid change (asparagine 261 retained).
Molecular consequence: synonymous variant.
Genome position (GRCh38, 1-based): chr18:13,884,736, G>A on the plus strand (C>T on the coding strand, the complement: MC2R is on the minus strand). VCF-style: chr18-13884736-G-A. GRCh37 (hg19) VCF-style: chr18-13884735-G-A.
Other names: c.783C>T, p.Asn261= (NM_001291911.1).
Identifiers: ClinVar variation 748430 (VCV000748430.27), dbSNP rs367600888, ClinGen allele CA8902406.